The following is an entry in ClinVar:

ClinVar aggregate classification (germline): Likely pathogenic (1 of 4 stars; one submission).

Conditions:
Retinitis pigmentosa 12 (RP12). Also called: RP WITH OR WITHOUT PPRPE; RP WITH OR WITHOUT PRESERVED PARAARTERIOLE RETINAL PIGMENT EPITHELIUM; RETINITIS PIGMENTOSA WITH OR WITHOUT PARAARTERIOLAR PRESERVATION OF RETINAL PIGMENT EPITHELIUM. Identifiers: Orphanet 791, MedGen C1838647, MONDO:0010818, OMIM 600105.

Submission:

Victorian Clinical Genetics Services, Murdoch Childrens Research Institute
Classification: Likely pathogenic for Retinitis pigmentosa 12. Last evaluated: 2021-05-06. Review status: criteria provided, single submitter. Criteria: ACMG Guidelines, 2015. Collection method: clinical testing. Allele origin: germline.
Comment: Based on the classification scheme VCGS_Germline_v1.3.4, this variant is classified as likely pathogenic. Following criteria are met: 0102 - Loss of function is a known mechanism of disease in this gene and is associated with Leber congenital amaurosis (MIM#8613835), retinitis pigmentosa (MIM#12600105) and pigmented paravenous chorioretinal atrophy (MIM#172870). (I) 0108 - This gene is associated with both recessive and dominant disease. This gene is associated with with autosomal recessive Leber congenital amaurosis (MIM#8613835) and retinitis pigmentosa (MIM#12600105) and autosomal dominant pigmented paravenous chorioretinal atrophy (MIM#172870) although the latter has only been associated with one variant (p.V162M; PMID: 15623792). (I) 0115 - Variants in this gene are known to have variable expressivity. Variants in this gene are associated with variable disease onset and severity (PMIDs: 31884620, 32922261). (I) 0200 - Variant is predicted to result in a missense amino acid change from cysteine to glycine. (I) 0251 - This variant is heterozygous. (I) 0301 - Variant is absent from gnomAD (both v2 and v3). (SP) 0501 - Missense variant consistently predicted to be damaging by multiple in silico tools or highly conserved with a major amino acid change. (SP) 0601 - Variant is located in the functional calcium-binding EGF-like domain (NCBI conserved domain). Cysteine residues in the EGF-like domain are highly conserved and are involved in disulfide bond formation (PMIDs: 15459956, 22065545, 23449718). (SP) 0705 - No comparable missense variants have previous evidence for pathogenicity. (I) 0807 - This variant has no previous evidence of pathogenicity. (I) 0905 - No published segregation evidence has been identified for this variant. (I) 1007 - No published functional evidence has been identified for this variant. (I) 1201 - Heterozygous variant detected in trans with a second likely pathogenic heterozygous variant NM_201253.2 (CRB1): c.1439G>C; p.(Cys480Ser) in a recessive disease. (I) Legend: (SP) - Supporting pathogenic, (I) - Information, (SB) - Supporting benign

Literature cited by the submitters: PubMed 15459956; PubMed 15623792; PubMed 22065545; PubMed 23449718; PubMed 31884620; PubMed 32922261.

NM_201253.3(CRB1):c.1267T>G (p.Cys423Gly)

Gene: CRB1 (crumbs cell polarity complex component 1; plus strand). Cytogenetic location: 1q31.3.
Variant type: single nucleotide variant.
Coding change: c.1267T>G on transcript NM_201253.3 (MANE Select); coding-DNA position 1267, T replaced by G.
Protein change: p.Cys423Gly; replaces cysteine 423 with glycine.
Molecular consequence: missense variant. On other transcripts: non-coding transcript variant (2).
Genome position (GRCh38, 1-based): chr1:197,421,095, T>G. VCF-style: chr1-197421095-T-G. GRCh37 (hg19) VCF-style: chr1-197390225-T-G.
Other names: c.931T>G, p.Cys311Gly (NM_001193640.2); c.1060T>G, p.Cys354Gly (NM_001257965.2); c.1267T>G, p.Cys423Gly (NM_001257966.2); short protein forms C311G, C354G, C423G.
Identifiers: ClinVar variation 3377432 (VCV003377432.1).
Genomic context (GRCh38, chr1:197,421,095, plus strand): 5'-TCAAACCCTTGCCAAAATGGTGGTACTTGTGAGAACTTGCCTGGGAATTATACTTGCCAT[T>G]GCCCATTTGATAACCTTTCTAGAACTTTTTATGGAGGAAGGGACTGTTCTGATATTCTCC-3'
Protein context (NP_957705.1, residues 413-433): ENLPGNYTCH[Cys423Gly]PFDNLSRTFY